The following is an entry in ClinVar:

ClinVar aggregate classification (germline): Uncertain significance (1 of 4 stars; one submission).

Submission:

GeneDx
Classification: Uncertain significance. Last evaluated: 2024-05-09. Review status: criteria provided, single submitter. Criteria: GeneDx Variant Classification Process June 2021. Collection method: clinical testing. Allele origin: germline. Affected: yes.
Comment: Not observed at significant frequency in large population cohorts (gnomAD); In silico analysis indicates that this missense variant does not alter protein structure/function; Has not been previously published as pathogenic or benign to our knowledge

NM_024757.5(EHMT1):c.1226A>G (p.Glu409Gly)

Gene: EHMT1 (euchromatic histone lysine methyltransferase 1; plus strand). Cytogenetic location: 9q34.3.
Variant type: single nucleotide variant.
Coding change: c.1226A>G on transcript NM_024757.5 (MANE Select); coding-DNA position 1226, A replaced by G.
Protein change: p.Glu409Gly; replaces glutamic acid 409 with glycine.
Molecular consequence: missense variant.
Genome position (GRCh38, 1-based): chr9:137,752,386, A>G. VCF-style: chr9-137752386-A-G. GRCh37 (hg19) VCF-style: chr9-140646838-A-G.
Other names: c.1226A>G, p.Glu409Gly (NM_001145527.2, NM_001354611.2); c.1133A>G, p.Glu378Gly (NM_001354259.2, NM_001354612.2); c.1205A>G, p.Glu402Gly (NM_001354263.2); short protein forms E378G, E402G, E409G.
Identifiers: ClinVar variation 3375496 (VCV003375496.1).
Genomic context (GRCh38, chr9:137,752,386, plus strand): 5'-ATCAGATGGACGGGGAGTCCGAGGAGGAGCAGGAGTCCGTGGACACCGGGGAGGAGGAGG[A>G]AGGCGGTGACGAGTCTGACCTGGTAATGCCCAGCGCCTCCTCCTGCGTCTGTGCTGATGT-3'
Protein context (NP_079033.4, residues 399-419): QESVDTGEEE[Glu409Gly]GGDESDLSSE